The following is an entry in ClinVar:

NM_000883.4(IMPDH1):c.*223C>G

Gene: IMPDH1 (inosine monophosphate dehydrogenase 1; minus strand). Cytogenetic location: 7q32.1.
Variant type: single nucleotide variant.
Coding change: c.*223C>G on transcript NM_000883.4 (MANE Select); 223 bases downstream of the stop codon, C replaced by G.
Molecular consequence: 3 prime UTR variant.
Genome position (GRCh38, 1-based): chr7:128,392,784, G>C on the plus strand (C>G on the coding strand, the complement: IMPDH1 is on the minus strand). VCF-style: chr7-128392784-G-C. GRCh37 (hg19) VCF-style: chr7-128032838-G-C.
Other names: c.*223C>G (NM_001102605.2, NM_001142573.2, NM_001142574.2 and 4 more transcripts).
Identifiers: ClinVar variation 358868 (VCV000358868.5), dbSNP rs543042380, ClinGen allele CA10628264.

ClinVar aggregate classification (germline): Conflicting classifications of pathogenicity. Review status: criteria provided, conflicting classifications (1 of 4 stars). 2 submissions from 1 submitter: Uncertain significance (1); Likely benign (1). Last evaluated 2018-01-13.

Conditions:
Leber congenital amaurosis 11 (LCA11). Identifiers: Orphanet 65, MedGen C1840284, MONDO:0013454, OMIM 613837.
Retinitis pigmentosa (RP). Identifiers: Orphanet 791, MedGen C0035334, MeSH D012174, MONDO:0019200, OMIM 268000. Inheritance: Autosomal dominant, autosomal recessive and X linked inheritance.

Allele frequency attached by ClinVar (database versions not stated): TOPMed 0.00087; 1000 Genomes Project 30x 0.00187; 1000 Genomes Project 0.00200.
gnomAD v4.1: 377 of 561,464 alleles (0.067%); highest among the groups gnomAD compares: African/African-American, 0.23%; 1 homozygote.

Submissions (2):

Illumina Laboratory Services, Illumina
Classification: Uncertain significance for Leber congenital amaurosis 11. Last evaluated: 2018-01-13. Review status: criteria provided, single submitter. Criteria: ICSL Variant Classification Criteria 13 December 2019. Collection method: clinical testing. Allele origin: germline.

Illumina Laboratory Services, Illumina
Classification: Likely benign for Retinitis pigmentosa. Last evaluated: 2018-01-13. Review status: criteria provided, single submitter. Criteria: ICSL Variant Classification Criteria 13 December 2019. Collection method: clinical testing. Allele origin: germline.
Comment: This variant was observed in the ICSL laboratory as part of a predisposition screen in an ostensibly healthy population. It had not been previously curated by ICSL or reported in the Human Gene Mutation Database (HGMD: prior to June 1st, 2018), and was therefore a candidate for classification through an automated scoring system. Utilizing variant allele frequency, disease prevalence and penetrance estimates, and inheritance mode, an automated score was calculated to assess if this variant is too frequent to cause the disease. Based on the score and internal cut-off values, a variant classified as likely benign is not then subjected to further curation. The score for this variant resulted in a classification of likely benign for this disease.